The following is an entry in ClinVar:

NM_001367624.2(ZNF469):c.4192C>G (p.Leu1398Val)

Gene: ZNF469 (zinc finger protein 469; plus strand). Cytogenetic location: 16q24.2.
Variant type: single nucleotide variant.
Coding change: c.4192C>G on transcript NM_001367624.2 (MANE Select); coding-DNA position 4192, C replaced by G.
Protein change: p.Leu1398Val; replaces leucine 1398 with valine.
Molecular consequence: missense variant.
Genome position (GRCh38, 1-based): chr16:88,431,662, C>G. VCF-style: chr16-88431662-C-G. GRCh37 (hg19) VCF-style: chr16-88498070-C-G.
Other names: NM_001127464.1:c.4108C>G; short protein forms L1398V.
Identifiers: ClinVar variation 3232807 (VCV003232807.1), dbSNP rs2507586559, ClinGen allele CA397090115.
Genomic context (GRCh38, chr16:88,431,662, plus strand): 5'-AGCCCCCACAGTGAGTTGTTCCTCGGACCCAAAGACCTGGCTGGCTGTTTCCTGGAAGAA[C>G]TGCACCCCAAGCCCTCAGCCAGGGATGCCCCGCCGGCCAGCAGCTCCTGCCTTTGCCAGG-3'
Protein context (NP_001354553.1, residues 1388-1408): KDLAGCFLEE[Leu1398Val]HPKPSARDAP

ClinVar aggregate classification (germline): Uncertain significance (1 of 4 stars; one submission).

Conditions:
Cardiovascular phenotype. Identifiers: MedGen CN230736.

Submission:

Ambry Genetics
Classification: Uncertain significance for Cardiovascular phenotype. Last evaluated: 2023-12-31. Review status: criteria provided, single submitter. Criteria: Ambry Variant Classification Scheme 2023. Collection method: clinical testing. Allele origin: germline.
Comment: The p.L1370V variant (also known as c.4108C>G), located in coding exon 2 of the ZNF469 gene, results from a C to G substitution at nucleotide position 4108. The leucine at codon 1370 is replaced by valine, an amino acid with highly similar properties. This amino acid position is conserved. In addition, this alteration is predicted to be tolerated by in silico analysis. Since supporting evidence is limited at this time, the clinical significance of this alteration remains unclear.